The following is an entry in ClinVar:

NM_173354.5(SIK1):c.1463-5C>A

Gene: SIK1 (salt inducible kinase 1; minus strand). Cytogenetic location: 21q22.3.
Variant type: single nucleotide variant.
Coding change: c.1463-5C>A on transcript NM_173354.5 (MANE Select); 5 bases into the intron before coding-DNA position 1463, C replaced by A.
Molecular consequence: intron variant.
Genome position (GRCh38, 1-based): chr21:43,418,546, G>T on the plus strand (C>A on the coding strand, the complement: SIK1 is on the minus strand). VCF-style: chr21-43418546-G-T. GRCh37 (hg19) VCF-style: chr21-44838426-G-T.
Identifiers: ClinVar variation 1137642 (VCV001137642.11), dbSNP rs375664122, ClinGen allele CA321325567.
Genomic context (GRCh38, chr21:43,418,546, plus strand): 5'-GTCAGAGCTGGTTCCCTCTGCAGGACTTGCCGTGGTGGAGGGGGAGACGACTATACCTGT[G>T]GGGGGAGGACAGCGCTTTTGATGCTGCAGTGCAAAGGAATAGGCTCCCCCGGCCACTGCT-3'

ClinVar aggregate classification (germline): Conflicting classifications of pathogenicity. Review status: criteria provided, conflicting classifications (1 of 4 stars). 2 submissions from 2 submitters: Uncertain significance (1); Likely benign (1). Last evaluated 2025-04-14.

Conditions:
Developmental and epileptic encephalopathy, 30 (DEE30). Also called: Epileptic encephalopathy, early infantile, 30. Identifiers: MedGen C4225360, MONDO:0014595, OMIM 616341.
Inborn genetic diseases. Identifiers: MedGen C0950123, MeSH D030342.

Submissions (2):

Labcorp Genetics (formerly Invitae), Labcorp
Classification: Likely benign for Developmental and epileptic encephalopathy, 30. Last evaluated: 2025-04-14. Review status: criteria provided, single submitter. Criteria: Invitae Variant Classification Sherloc (09022015). Collection method: clinical testing. Allele origin: germline.

Ambry Genetics
Classification: Uncertain significance for Inborn genetic diseases. Last evaluated: 2018-03-06. Review status: criteria provided, single submitter. Criteria: Ambry Variant Classification Scheme 2023. Collection method: clinical testing. Allele origin: germline.
Comment: The c.1463-5C>A intronic variant results from a C to A substitution 5 nucleotides upstream from coding exon 11 in the SIK1 gene. This nucleotide position is poorly conserved in available vertebrate species. Using the BDGP and ESEfinder splice site prediction tools, this alteration is not predicted to have any significant effect on this splice acceptor site; however, direct evidence is unavailable. Since supporting evidence is limited at this time, the clinical significance of this alteration remains unclear.